The following is an entry in ClinVar:

ClinVar aggregate classification (germline): Pathogenic. Review status: criteria provided, multiple submitters, no conflicts (2 of 4 stars). 4 submissions from 4 submitters: Pathogenic (4). Last evaluated 2025-06-11.

Conditions:
Succinate-semialdehyde dehydrogenase deficiency (SSADHD). Also called: SSADH DEFICIENCY; 4-HYDROXYBUTYRIC ACIDURIA; Succinic Semialdehyde Dehydrogenase Deficiency; GABA METABOLIC DEFECT. Identifiers: Orphanet 22, MedGen C0268631, MONDO:0010083, OMIM 271980.

Allele frequency attached by ClinVar (database versions not stated): gnomAD exomes 0.00002 and 0.00003; TOPMed 0.00002; ExAC 0.00003; gnomAD 0.00008; 1000 Genomes Project 30x 0.00016; 1000 Genomes Project 0.00020.
gnomAD v4.1: 52 of 1,613,988 alleles (0.0032%); highest among the groups gnomAD compares: African/African-American, 0.016%; no homozygotes.

Submissions (4):

Labcorp Genetics (formerly Invitae), Labcorp
Classification: Pathogenic for Succinate-semialdehyde dehydrogenase deficiency. Last evaluated: 2025-06-11. Review status: criteria provided, single submitter. Criteria: Invitae Variant Classification Sherloc (09022015). Collection method: clinical testing. Allele origin: germline.
Comment: This sequence change replaces glycine, which is neutral and non-polar, with arginine, which is basic and polar, at codon 533 of the ALDH5A1 protein (p.Gly533Arg). This variant is present in population databases (rs72552284, gnomAD 0.02%). This missense change has been observed in individual(s) with succinate semialdehyde dehydrogenase (SSADH) deficiency (PMID: 14635103, 27104484; internal data). ClinVar contains an entry for this variant (Variation ID: 426524). Invitae Evidence Modeling of protein sequence and biophysical properties (such as structural, functional, and spatial information, amino acid conservation, physicochemical variation, residue mobility, and thermodynamic stability) has been performed for this missense variant. However, the output from this modeling did not meet the statistical confidence thresholds required to predict the impact of this variant on ALDH5A1 protein function. Experimental studies have shown that this missense change affects ALDH5A1 function (PMID: 14635103). For these reasons, this variant has been classified as Pathogenic.

ARUP Laboratories, Molecular Genetics and Genomics, ARUP Laboratories
Classification: Pathogenic for Succinate-semialdehyde dehydrogenase deficiency. Last evaluated: 2024-09-17. Review status: criteria provided, single submitter. Criteria: ARUP Molecular Germline Variant Investigation Process 2024. Collection method: clinical testing. Allele origin: germline.
Comment: The ALDH5A1 c.1597G>A; p.Gly533Arg variant (rs72552284, ClinVar Variation ID: 426524) is reported in the literature in multiple individuals affected with succinate semialdehyde dehydrogenase (SSADH) deficiency (Akaboshi 2003, Horvath 2016, Tokatly Latzer, 2023). This variant is only observed on nine alleles in the Genome Aggregation Database (v2.1.1), indicating it is not a common polymorphism. Functional analyses of the variant protein in mammalian cell culture showed reduced activity compared to wild type ALDH5A1 protein (Akaboshi 2003). Computational analyses predict that this variant is deleterious (REVEL: 0.890). Based on available information, this variant is considered to be pathogenic. References: Akaboshi S et al. Mutational spectrum of the succinate semialdehyde dehydrogenase (ALDH5A1) gene and functional analysis of 27 novel disease-causing mutations in patients with SSADH deficiency. Hum Mutat. 2003 Dec;22(6):442-50. PMID: 14635103. Horvath GA et al. Eye Findings on Vigabatrin and Taurine Treatment in Two Patients with Succinic Semialdehyde Dehydrogenase Deficiency. Neuropediatrics. 2016 Aug;47(4):263-7. PMID: 27104484. Tokatly Latzer I et al. Phenotypic correlates of structural and functional protein impairments resultant from ALDH5A1 variants. Hum Genet. 2023 Dec;142(12):1755-1776. PMID: 37962671.

GeneDx
Classification: Pathogenic. Last evaluated: 2024-09-16. Review status: criteria provided, single submitter. Criteria: GeneDx Variant Classification Process June 2021. Collection method: clinical testing. Allele origin: germline. Affected: yes.
Comment: Published functional studies demonstrate p.(G533R) significantly impairs enzyme activity (PMID: 14635103); Not observed at significant frequency in large population cohorts (gnomAD); In silico analysis supports that this missense variant has a deleterious effect on protein structure/function; This variant is associated with the following publications: (PMID: 32402538, 33203024, 23825041, 25558043, 37962671, 14635103, 27104484)

Elsea Laboratory, Baylor College of Medicine
Classification: Pathogenic for Succinate-semialdehyde dehydrogenase deficiency. Last evaluated: 2021-03-08. Review status: criteria provided, single submitter. Criteria: Martin et al. (J Child Neurol. 2021). Collection method: curation. Allele origin: germline. Affected: yes.
Comment: enzyme activity <1%;oligomerization domain of the protein

Literature cited by the submitters: PubMed 14635103 (cited by Labcorp Genetics (formerly Invitae), Labcorp and Elsea Laboratory, Baylor College of Medicine); PubMed 27104484 (cited by Labcorp Genetics (formerly Invitae), Labcorp); PubMed 33203024 (cited by Elsea Laboratory, Baylor College of Medicine); PubMed 32402538 (cited by Elsea Laboratory, Baylor College of Medicine).

NM_001080.3(ALDH5A1):c.1597G>A (p.Gly533Arg)

Gene: ALDH5A1 (aldehyde dehydrogenase 5 family member A1; plus strand). Cytogenetic location: 6p22.3.
Variant type: single nucleotide variant.
Coding change: c.1597G>A on transcript NM_001080.3 (MANE Select); coding-DNA position 1597, G replaced by A.
Protein change: p.Gly533Arg; replaces glycine 533 with arginine.
Molecular consequence: missense variant.
Genome position (GRCh38, 1-based): chr6:24,533,701, G>A. VCF-style: chr6-24533701-G-A. GRCh37 (hg19) VCF-style: chr6-24533929-G-A.
Other names: c.1453G>A, p.Gly485Arg (NM_001368954.1); c.1636G>A, p.Gly546Arg (NM_170740.1); short protein forms G533R, G546R, G485R.
Identifiers: ClinVar variation 426524 (VCV000426524.15), dbSNP rs72552284, ClinGen allele CA3656974.